The following is an entry in ClinVar:

NM_139057.4(ADAMTS17):c.1722C>T (p.Pro574=)

Gene: ADAMTS17 (ADAM metallopeptidase with thrombospondin type 1 motif 17; minus strand). Cytogenetic location: 15q26.3.
Variant type: single nucleotide variant.
Coding change: c.1722C>T on transcript NM_139057.4 (MANE Select); coding-DNA position 1722, C replaced by T.
Protein change: p.Pro574=; no amino-acid change (proline 574 retained).
Molecular consequence: synonymous variant.
Genome position (GRCh38, 1-based): chr15:100,117,013, G>A on the plus strand (C>T on the coding strand, the complement: ADAMTS17 is on the minus strand). VCF-style: chr15-100117013-G-A. GRCh37 (hg19) VCF-style: chr15-100657218-G-A.
Identifiers: ClinVar variation 2074873 (VCV002074873.2), dbSNP rs2548352081, ClinGen allele CA492379566.

ClinVar aggregate classification (germline): Uncertain significance (1 of 4 stars; one submission).

Submission:

Labcorp Genetics (formerly Invitae), Labcorp
Classification: Uncertain significance. Last evaluated: 2022-01-04. Review status: criteria provided, single submitter. Criteria: Invitae Variant Classification Sherloc (09022015). Collection method: clinical testing. Allele origin: germline.
Comment: In summary, the available evidence is currently insufficient to determine the role of this variant in disease. Therefore, it has been classified as a Variant of Uncertain Significance. Experimental studies and prediction algorithms are not available or were not evaluated, and the effect of this variant on mRNA splicing is currently unknown. This variant has not been reported in the literature in individuals affected with ADAMTS17-related conditions. This variant is not present in population databases (gnomAD no frequency). This sequence change affects codon 574 of the ADAMTS17 mRNA. It is a 'silent' change, meaning that it does not change the encoded amino acid sequence of the ADAMTS17 protein. It affects a nucleotide within the consensus splice site.